The following is an entry in ClinVar:

NM_006129.5(BMP1):c.*44G>C

Gene: BMP1 (bone morphogenetic protein 1; plus strand). Cytogenetic location: 8p21.3.
Variant type: single nucleotide variant.
Coding change: c.*44G>C on transcript NM_006129.5 (MANE Select); 44 bases downstream of the stop codon, G replaced by C.
Molecular consequence: 3 prime UTR variant. On other transcripts: non-coding transcript variant (1).
Genome position (GRCh38, 1-based): chr8:22,211,772, G>C. VCF-style: chr8-22211772-G-C. GRCh37 (hg19) VCF-style: chr8-22069285-G-C.
Identifiers: ClinVar variation 910423 (VCV000910423.7), dbSNP rs75202363, ClinGen allele CA4665425.

ClinVar aggregate classification (germline): Likely benign. Review status: criteria provided, multiple submitters, no conflicts (2 of 4 stars). 2 submissions from 2 submitters: Likely benign (2). Last evaluated 2018-06-14.

Conditions:
Osteogenesis imperfecta type 13. Also called: Osteogenesis imperfecta, type xiii; OI, TYPE XIII. Identifiers: Orphanet 666, MedGen C3553887, MONDO:0013924, OMIM 614856.

Allele frequency attached by ClinVar (database versions not stated): 1000 Genomes Project 30x 0.00390; 1000 Genomes Project 0.00419; TOPMed 0.00813; ExAC 0.00876; gnomAD 0.00974; ESP Exome Variant Server 0.01061.
gnomAD v4.1: 21,734 of 1,613,512 alleles (1.3%); highest among the groups gnomAD compares: Non-Finnish European, 1.7%; 198 homozygotes.

Submissions (2):

GeneDx
Classification: Likely benign. Last evaluated: 2018-06-14. Review status: criteria provided, single submitter. Criteria: GeneDx Variant Classification Process June 2021. Collection method: clinical testing. Allele origin: germline. Affected: yes.

Illumina Laboratory Services, Illumina
Classification: Likely benign for Osteogenesis imperfecta type 13. Last evaluated: 2018-01-13. Review status: criteria provided, single submitter. Criteria: ICSL Variant Classification Criteria 13 December 2019. Collection method: clinical testing. Allele origin: germline.
Comment: This variant was observed in the ICSL laboratory as part of a predisposition screen in an ostensibly healthy population. It had not been previously curated by ICSL or reported in the Human Gene Mutation Database (HGMD: prior to June 1st, 2018), and was therefore a candidate for classification through an automated scoring system. Utilizing variant allele frequency, disease prevalence and penetrance estimates, and inheritance mode, an automated score was calculated to assess if this variant is too frequent to cause the disease. Based on the score and internal cut-off values, a variant classified as likely benign is not then subjected to further curation. The score for this variant resulted in a classification of likely benign for this disease.